The following is an entry in ClinVar:

NM_005120.3(MED12):c.4020G>T (p.Gln1340His)

Gene: MED12 (mediator complex subunit 12; plus strand). Cytogenetic location: Xq13.1.
Variant type: single nucleotide variant.
Coding change: c.4020G>T on transcript NM_005120.3 (MANE Select); coding-DNA position 4020, G replaced by T.
Protein change: p.Gln1340His; replaces glutamine 1340 with histidine.
Molecular consequence: missense variant.
Genome position (GRCh38, 1-based): chrX:71,130,187, G>T. VCF-style: chrX-71130187-G-T. GRCh37 (hg19) VCF-style: chrX-70350037-G-T.
Other names: short protein forms Q1340H.
Identifiers: ClinVar variation 4743501 (VCV004743501.1).

ClinVar aggregate classification (germline): Uncertain significance (1 of 4 stars; one submission).

Conditions:
FG syndrome (FGS). Identifiers: MedGen C0220769, MONDO:0002010.

gnomAD v4.1: 2 of 1,208,879 alleles (0.00017%); highest among the groups gnomAD compares: Non-Finnish European, 0.00022%; no homozygotes.

Submission:

Labcorp Genetics (formerly Invitae), Labcorp
Classification: Uncertain significance for FG syndrome. Last evaluated: 2025-02-12. Review status: criteria provided, single submitter. Criteria: Invitae Variant Classification Sherloc (09022015). Collection method: clinical testing. Allele origin: germline.
Comment: This sequence change replaces glutamine, which is neutral and polar, with histidine, which is basic and polar, at codon 1340 of the MED12 protein (p.Gln1340His). This variant is not present in population databases (gnomAD no frequency). This variant has not been reported in the literature in individuals affected with MED12-related conditions. Invitae Evidence Modeling of protein sequence and biophysical properties (such as structural, functional, and spatial information, amino acid conservation, physicochemical variation, residue mobility, and thermodynamic stability) has been performed for this missense variant. However, the output from this modeling did not meet the statistical confidence thresholds required to predict the impact of this variant on MED12 protein function. In summary, the available evidence is currently insufficient to determine the role of this variant in disease. Therefore, it has been classified as a Variant of Uncertain Significance.